The following is an entry in ClinVar:

NM_018418.5(SPATA7):c.572G>A (p.Arg191Gln)

Gene: SPATA7 (spermatogenesis associated 7; plus strand). Cytogenetic location: 14q31.3.
Variant type: single nucleotide variant.
Coding change: c.572G>A on transcript NM_018418.5 (MANE Select); coding-DNA position 572, G replaced by A.
Protein change: p.Arg191Gln; replaces arginine 191 with glutamine.
Molecular consequence: missense variant.
Genome position (GRCh38, 1-based): chr14:88,426,431, G>A. VCF-style: chr14-88426431-G-A. GRCh37 (hg19) VCF-style: chr14-88892775-G-A.
Other names: c.572G>A (NM_018418.4); c.476G>A, p.Arg159Gln (NM_001040428.4); short protein forms R159Q, R191Q.
Identifiers: ClinVar variation 1505771 (VCV001505771.8), dbSNP rs774360285, ClinGen allele CA7298556.

ClinVar aggregate classification (germline): Uncertain significance. Review status: criteria provided, multiple submitters, no conflicts (2 of 4 stars). 3 submissions from 3 submitters: Uncertain significance (3). Last evaluated 2026-06-17.

Conditions:
Leber congenital amaurosis 3 (LCA3). Also called: SPATA7-Related Retinitis Pigmentosa. Identifiers: MedGen C1858677, MONDO:0011415, OMIM 604232.
SPATA7-related disorder. Also called: SPATA7-related disorders; SPATA7-related condition. Identifiers: MedGen CN239422.

Allele frequency attached by ClinVar (database versions not stated): gnomAD exomes 0.00001 and 0.00002; ExAC 0.00002.
gnomAD v4.1: 17 of 1,614,128 alleles (0.0011%); highest among the groups gnomAD compares: South Asian, 0.0066%; no homozygotes.

Submissions (3):

PreventionGenetics, part of Exact Sciences
Classification: Uncertain significance for SPATA7-related condition. Last evaluated: 2026-06-17. Review status: criteria provided, single submitter. Criteria: ACMG Guidelines, 2015. Collection method: clinical testing. Allele origin: germline.
Comment: The SPATA7 c.572G>A variant is predicted to result in the amino acid substitution p.Arg191Gln. To our knowledge, this variant has not been reported in the literature. This variant is reported in 0.011% of alleles in individuals of East Asian descent in gnomAD. At this time, the clinical significance of this variant is uncertain due to the absence of conclusive functional and genetic evidence.

Blueprint Genetics
Classification: Uncertain significance. Last evaluated: 2023-02-13. Review status: criteria provided, single submitter. Criteria: ACMG Guidelines, 2015. Collection method: clinical testing. Allele origin: germline.

Labcorp Genetics (formerly Invitae), Labcorp
Classification: Uncertain significance for Leber congenital amaurosis 3. Last evaluated: 2022-11-03. Review status: criteria provided, single submitter. Criteria: Invitae Variant Classification Sherloc (09022015). Collection method: clinical testing. Allele origin: germline.
Comment: In summary, the available evidence is currently insufficient to determine the role of this variant in disease. Therefore, it has been classified as a Variant of Uncertain Significance. Advanced modeling of protein sequence and biophysical properties (such as structural, functional, and spatial information, amino acid conservation, physicochemical variation, residue mobility, and thermodynamic stability) performed at Invitae indicates that this missense variant is not expected to disrupt SPATA7 protein function. ClinVar contains an entry for this variant (Variation ID: 1505771). This variant has not been reported in the literature in individuals affected with SPATA7-related conditions. This variant is present in population databases (rs774360285, gnomAD 0.01%). This sequence change replaces arginine, which is basic and polar, with glutamine, which is neutral and polar, at codon 191 of the SPATA7 protein (p.Arg191Gln).